The following is an entry in ClinVar:

ClinVar aggregate classification (germline): Uncertain significance (1 of 4 stars; one submission).

Conditions:
Congenital myasthenic syndrome 15. Also called: Myasthenic syndrome, congenital, 15, without tubular aggregates. Identifiers: Orphanet 353327, Orphanet 590, MedGen C4015596, MONDO:0014542, OMIM 616227.

Allele frequency attached by ClinVar (database versions not stated): ESP Exome Variant Server 0.00008; gnomAD exomes 0.00001; gnomAD 0.00001; TOPMed below 0.00001; ExAC 0.00001.
gnomAD v4.1: 6 of 1,613,844 alleles (0.00037%); highest among the groups gnomAD compares: South Asian, 0.0044%; no homozygotes.

Submission:

Labcorp Genetics (formerly Invitae), Labcorp
Classification: Uncertain significance for Congenital myasthenic syndrome 15. Last evaluated: 2023-01-01. Review status: criteria provided, single submitter. Criteria: Invitae Variant Classification Sherloc (09022015). Collection method: clinical testing. Allele origin: germline.
Comment: Algorithms developed to predict the effect of missense changes on protein structure and function are either unavailable or do not agree on the potential impact of this missense change (SIFT: "Deleterious"; PolyPhen-2: "Probably Damaging"; Align-GVGD: "Class C0"). In summary, the available evidence is currently insufficient to determine the role of this variant in disease. Therefore, it has been classified as a Variant of Uncertain Significance. This variant has not been reported in the literature in individuals affected with ALG14-related conditions. This variant is present in population databases (rs368626631, gnomAD 0.0009%). This sequence change replaces tyrosine, which is neutral and polar, with cysteine, which is neutral and slightly polar, at codon 68 of the ALG14 protein (p.Tyr68Cys).

NM_144988.4(ALG14):c.203A>G (p.Tyr68Cys)

Genes: ALG14 (ALG14 UDP-N-acetylglucosaminyltransferase subunit; minus strand), ALG14-AS1 (ALG14 antisense RNA 1; plus strand). Cytogenetic location: 1p21.3.
Variant type: single nucleotide variant.
Coding change: c.203A>G on transcript NM_144988.4 (MANE Select); coding-DNA position 203, A replaced by G.
Protein change: p.Tyr68Cys; replaces tyrosine 68 with cysteine.
Molecular consequence: missense variant.
Genome position (GRCh38, 1-based): chr1:95,064,951, T>C on the plus strand (A>G on the coding strand, the complement: ALG14 is on the minus strand). VCF-style: chr1-95064951-T-C. GRCh37 (hg19) VCF-style: chr1-95530507-T-C.
Other names: c.203A>G, p.Tyr68Cys (NM_001305242.2); short protein forms Y68C.
Identifiers: ClinVar variation 2051740 (VCV002051740.4), dbSNP rs368626631, ClinGen allele CA961848.